The following is an entry in ClinVar:

NM_001205293.3(CACNA1E):c.6794C>T (p.Thr2265Ile)

Gene: CACNA1E (calcium voltage-gated channel subunit alpha1 E; plus strand). Cytogenetic location: 1q25.3.
Variant type: single nucleotide variant.
Coding change: c.6794C>T on transcript NM_001205293.3 (MANE Select); coding-DNA position 6794, C replaced by T.
Protein change: p.Thr2265Ile; replaces threonine 2265 with isoleucine.
Molecular consequence: missense variant.
Genome position (GRCh38, 1-based): chr1:181,798,686, C>T. VCF-style: chr1-181798686-C-T. GRCh37 (hg19) VCF-style: chr1-181767822-C-T.
Other names: c.6665C>T, p.Thr2222Ile (NM_000721.4); c.6608C>T, p.Thr2203Ile (NM_001205294.2); short protein forms T2265I, T2203I, T2222I.
Identifiers: ClinVar variation 2089114 (VCV002089114.4), dbSNP rs1662037127, ClinGen allele CA343845533.

ClinVar aggregate classification (germline): Uncertain significance (1 of 4 stars; one submission).

Submission:

Labcorp Genetics (formerly Invitae), Labcorp
Classification: Uncertain significance. Last evaluated: 2022-09-27. Review status: criteria provided, single submitter. Criteria: Invitae Variant Classification Sherloc (09022015). Collection method: clinical testing. Allele origin: germline.
Comment: This sequence change replaces threonine, which is neutral and polar, with isoleucine, which is neutral and non-polar, at codon 2222 of the CACNA1E protein (p.Thr2222Ile). This variant is not present in population databases (gnomAD no frequency). This variant has not been reported in the literature in individuals affected with CACNA1E-related conditions. Advanced modeling of protein sequence and biophysical properties (such as structural, functional, and spatial information, amino acid conservation, physicochemical variation, residue mobility, and thermodynamic stability) has been performed at Invitae for this missense variant, however the output from this modeling did not meet the statistical confidence thresholds required to predict the impact of this variant on CACNA1E protein function. In summary, the available evidence is currently insufficient to determine the role of this variant in disease. Therefore, it has been classified as a Variant of Uncertain Significance.